The following is an entry in ClinVar:

NM_152564.5(VPS13B):c.2785A>G (p.Ile929Val)

Gene: VPS13B (vacuolar protein sorting 13 homolog B; plus strand). Cytogenetic location: 8q22.2.
Variant type: single nucleotide variant.
Coding change: c.2785A>G on transcript NM_152564.5 (MANE Select); coding-DNA position 2785, A replaced by G.
Protein change: p.Ile929Val; replaces isoleucine 929 with valine.
Molecular consequence: missense variant.
Genome position (GRCh38, 1-based): chr8:99,275,215, A>G. VCF-style: chr8-99275215-A-G. GRCh37 (hg19) VCF-style: chr8-100287443-A-G.
Other names: c.2785A>G, p.Ile929Val (NM_017890.5); short protein forms I929V.
Identifiers: ClinVar variation 459246 (VCV000459246.8), dbSNP rs1222718209, ClinGen allele CA371862765.

ClinVar aggregate classification (germline): Uncertain significance. Review status: criteria provided, multiple submitters, no conflicts (2 of 4 stars). 3 submissions from 3 submitters: Uncertain significance (2). 1 of the submissions does not count toward it. Last evaluated 2022-09-26.

Conditions:
Cohen syndrome (COH1). Also called: PEPPER SYNDROME; Cutis verticis gyrata, retinitis pigmentosa, and sensorineural deafness. Identifiers: Orphanet 193, MedGen C0265223, MONDO:0008999, OMIM 216550.

Allele frequency attached by ClinVar (database versions not stated): gnomAD exomes below 0.00001; gnomAD 0.00001.
gnomAD v4.1: 3 of 1,612,884 alleles (0.00019%); highest among the groups gnomAD compares: Non-Finnish European, 0.000085%; no homozygotes.

Submissions (3):

Labcorp Genetics (formerly Invitae), Labcorp
Classification: Uncertain significance for Cohen syndrome. Last evaluated: 2022-09-26. Review status: criteria provided, single submitter. Criteria: Invitae Variant Classification Sherloc (09022015). Collection method: clinical testing. Allele origin: germline.
Comment: This sequence change replaces isoleucine with valine at codon 929 of the VPS13B protein (p.Ile929Val). The isoleucine residue is weakly conserved and there is a small physicochemical difference between isoleucine and valine. The frequency data for this variant in the population databases is considered unreliable, as metrics indicate poor data quality at this position in the gnomAD database. This variant has not been reported in the literature in individuals affected with VPS13B-related conditions. ClinVar contains an entry for this variant (Variation ID: 459246). Advanced modeling of protein sequence and biophysical properties (such as structural, functional, and spatial information, amino acid conservation, physicochemical variation, residue mobility, and thermodynamic stability) performed at Invitae indicates that this missense variant is not expected to disrupt VPS13B protein function. Algorithms developed to predict the effect of sequence changes on RNA splicing suggest that this variant may create or strengthen a splice site. In summary, the available evidence is currently insufficient to determine the role of this variant in disease. Therefore, it has been classified as a Variant of Uncertain Significance.

Fulgent Genetics
Classification: Uncertain significance for Cohen syndrome. Last evaluated: 2021-08-06. Review status: criteria provided, single submitter. Criteria: ACMG Guidelines, 2015. Collection method: clinical testing. Allele origin: unknown.

Natera, Inc.
Classification: Uncertain significance for Cohen syndrome. Last evaluated: 2020-07-27. Review status: no assertion criteria provided. Collection method: clinical testing. Allele origin: germline. Not counted in ClinVar's aggregate classification.